The following is an entry in ClinVar:

ClinVar aggregate classification (germline): Uncertain significance. Review status: criteria provided, multiple submitters, no conflicts (2 of 4 stars). 3 submissions from 3 submitters: Uncertain significance (2). 1 of the submissions does not count toward it. Last evaluated 2023-01-09.

Conditions:
KATNIP-related disorder. Also called: KATNIP-related condition.
Joubert syndrome 26 (JBTS26). Identifiers: Orphanet 475, MedGen C4084843, MONDO:0014771, OMIM 616784.

Allele frequency attached by ClinVar (database versions not stated): gnomAD 0.00001; ExAC 0.00002.
gnomAD v4.1: 20 of 1,613,472 alleles (0.0012%); highest among the groups gnomAD compares: Middle Eastern, 0.13%; no homozygotes.

Submissions (3):

Labcorp Genetics (formerly Invitae), Labcorp
Classification: Uncertain significance. Last evaluated: 2023-01-09. Review status: criteria provided, single submitter. Criteria: Invitae Variant Classification Sherloc (09022015). Collection method: clinical testing. Allele origin: germline.
Comment: This sequence change replaces arginine, which is basic and polar, with histidine, which is basic and polar, at codon 1617 of the KIAA0556 protein (p.Arg1617His). In summary, the available evidence is currently insufficient to determine the role of this variant in disease. Therefore, it has been classified as a Variant of Uncertain Significance. Algorithms developed to predict the effect of missense changes on protein structure and function are either unavailable or do not agree on the potential impact of this missense change (SIFT: "Deleterious"; PolyPhen-2: "Probably Damaging"; Align-GVGD: "Class C0"). This variant has not been reported in the literature in individuals affected with KIAA0556-related conditions. This variant is present in population databases (rs762795797, gnomAD 0.007%).

Baylor Genetics
Classification: Uncertain significance for Joubert syndrome 26. Last evaluated: 2021-12-27. Review status: criteria provided, single submitter. Criteria: ACMG Guidelines, 2015. Collection method: clinical testing. Allele origin: unknown.

PreventionGenetics, part of Exact Sciences
Classification: Uncertain significance for KATNIP-related condition. Last evaluated: 2024-04-15. Review status: no assertion criteria provided. Collection method: clinical testing. Allele origin: germline. Not counted in ClinVar's aggregate classification.
Comment: The KATNIP c.4850G>A variant is predicted to result in the amino acid substitution p.Arg1617His. To our knowledge, this variant has not been reported in the literature. This variant is reported in 0.0065% of alleles in individuals of South Asian descent in gnomAD. At this time, the clinical significance of this variant is uncertain due to the absence of conclusive functional and genetic evidence.

NM_015202.5(KATNIP):c.4850G>A (p.Arg1617His)

Gene: KATNIP (katanin interacting protein; plus strand). Cytogenetic location: 16p12.1.
Variant type: single nucleotide variant.
Coding change: c.4850G>A on transcript NM_015202.5 (MANE Select); coding-DNA position 4850, G replaced by A.
Protein change: p.Arg1617His; replaces arginine 1617 with histidine.
Molecular consequence: missense variant.
Genome position (GRCh38, 1-based): chr16:27,778,622, G>A. VCF-style: chr16-27778622-G-A. GRCh37 (hg19) VCF-style: chr16-27789943-G-A.
Other names: c.4850G>A (NM_015202.4, NM_015202.3); short protein forms R1617H.
Identifiers: ClinVar variation 2191562 (VCV002191562.6), dbSNP rs762795797, ClinGen allele CA7978813.